The following is an entry in ClinVar:

NM_000243.3(MEFV):c.120C>T (p.Ile40=)

Gene: MEFV (MEFV innate immunity regulator, pyrin; minus strand). Cytogenetic location: 16p13.3.
Variant type: single nucleotide variant.
Coding change: c.120C>T on transcript NM_000243.3 (MANE Select); coding-DNA position 120, C replaced by T.
Protein change: p.Ile40=; no amino-acid change (isoleucine 40 retained).
Molecular consequence: synonymous variant.
Genome position (GRCh38, 1-based): chr16:3,256,468, G>A on the plus strand (C>T on the coding strand, the complement: MEFV is on the minus strand). VCF-style: chr16-3256468-G-A. GRCh37 (hg19) VCF-style: chr16-3306468-G-A.
Other names: c.120C>T, p.Ile40= (NM_001198536.2).
Identifiers: ClinVar variation 1147282 (VCV001147282.32), dbSNP rs1454105754, ClinGen allele CA493384614.

ClinVar aggregate classification (germline): Likely benign. Review status: criteria provided, multiple submitters, no conflicts (2 of 4 stars). 2 submissions from 2 submitters: Likely benign (2). Last evaluated 2025-10-17.

Conditions:
Familial Mediterranean fever (FMF). Also called: Periodic peritonitis; Benign paroxysmal peritonitis; POLYSEROSITIS, FAMILIAL PAROXYSMAL; POLYSEROSITIS, RECURRENT. Identifiers: Orphanet 342, MedGen C0031069, MONDO:0018088, OMIM 249100. Disease mechanism: gain of function.

Allele frequency attached by ClinVar (database versions not stated): gnomAD exomes below 0.00001; TOPMed below 0.00001; gnomAD 0.00001.
gnomAD v4.1: 26 of 1,614,106 alleles (0.0016%); highest among the groups gnomAD compares: Non-Finnish European, 0.0021%; no homozygotes.

Submissions (2):

Labcorp Genetics (formerly Invitae), Labcorp
Classification: Likely benign for Familial Mediterranean fever. Last evaluated: 2025-10-17. Review status: criteria provided, single submitter. Criteria: Invitae Variant Classification Sherloc (09022015). Collection method: clinical testing. Allele origin: germline.

CeGaT Center for Human Genetics Tuebingen
Classification: Likely benign. Last evaluated: 2022-09-01. Review status: criteria provided, single submitter. Criteria: CeGaT Center For Human Genetics Tuebingen Variant Classification Criteria Version 2. Collection method: clinical testing. Allele origin: germline. Affected: yes. Observed: 1 variant allele.
Comment: MEFV: BP4, BP7